The following is an entry in ClinVar:

ClinVar aggregate classification (germline): Pathogenic (1 of 4 stars; one submission).

Conditions:
Congenital heart defects, multiple types, 4 (CHTD4). Identifiers: MedGen C4014310, MONDO:0014344, OMIM 615779.

Submission:

Variantyx, Inc.
Classification: Pathogenic for Congenital heart defects, multiple types, 4. Last evaluated: 2025-08-05. Review status: criteria provided, single submitter. Criteria: Variantyx Assertion Criteria 2022. Collection method: clinical testing. Allele origin: de novo. Inheritance: Autosomal dominant inheritance. Affected: yes.
Comment: This is a frameshift variant in the NR2F2 gene (OMIM: 107773). Pathogenic variants in this gene have been associated with autosomal dominant multiple types of congenital heart defects 4. Thw alteration introduces a premature termination codon in exon 1 out of 3 and is expected to result in loss of function, which is a known disease mechanism for NR2F2 in this disorder (PMID: 24702954) (PVS1). This variant is absent from control populations (PM2), and it has not been reported in individuals with NR2F2-related disorders in the databases available for review. Based on the current evidence, this variant is classified as pathogenic for autosomal dominant multiple types of congenital heart defects 4.

Literature cited by the submitters: PubMed 24702954.

NM_021005.4(NR2F2):c.357del (p.Asn120fs)

Gene: NR2F2 (nuclear receptor subfamily 2 group F member 2; plus strand). Cytogenetic location: 15q26.2.
Variant type: Deletion.
Coding change: c.357del on transcript NM_021005.4 (MANE Select); coding-DNA position 357, one base deleted (G; older notation c.357delG).
Protein change: p.Asn120fs; shifts the reading frame from asparagine 120.
Molecular consequence: frameshift variant. On other transcripts: intron variant (1).
Genome position (GRCh38, 1-based): chr15:96,332,462, G deleted; the last of 2 consecutive G bases (chr15:96,332,461-96,332,462); deleting either gives the same sequence. VCF-style (leftmost placement, unchanged base first): chr15-96332460-CG-C. GRCh37 (hg19) VCF-style: chr15-96875689-CG-C.
Other names: c.44-1614del (NM_001145155.2); short protein forms N120fs.
Identifiers: ClinVar variation 4850017 (VCV004850017.1).